The following is an entry in ClinVar:

ClinVar aggregate classification (germline): Likely benign (0 of 4 stars; one submission).

Conditions:
PAX9-related disorder. Also called: PAX9-related condition.

Submission:

PreventionGenetics, part of Exact Sciences
Classification: Likely benign for PAX9-related condition. Last evaluated: 2019-08-07. Review status: no assertion criteria provided. Collection method: clinical testing. Allele origin: germline.
Comment: This variant is classified as likely benign based on ACMG/AMP sequence variant interpretation guidelines (Richards et al. 2015 PMID: 25741868, with internal and published modifications).

NM_006194.4(PAX9):c.-393-874dup

Genes: PAX9 (paired box 9; plus strand), LOC108281111 (PAX9 promoter region; plus strand). Cytogenetic location: 14q13.3.
Variant type: Duplication.
Coding change: c.-393-874dup on transcript NM_006194.4; 874 bases into the intron before 393 bases upstream of the start codon, one base duplicated (A; older notation c.-393-874dupA).
Molecular consequence: intron variant.
Genome position (GRCh38, 1-based): chr14:36,660,823, A duplicated; the last of 6 consecutive A bases (chr14:36,660,818-36,660,823); duplicating any one gives the same sequence. VCF-style (leftmost placement, unchanged base first): chr14-36660817-C-CA. GRCh37 (hg19) VCF-style: chr14-37130022-C-CA.
Identifiers: ClinVar variation 3035331 (VCV003035331.2), dbSNP rs1256151345, ClinGen allele CA962027871.